The following is an entry in ClinVar:

ClinVar aggregate classification (germline): Conflicting classifications of pathogenicity. Review status: criteria provided, conflicting classifications (1 of 4 stars). 4 submissions from 4 submitters: Uncertain significance (2); Likely benign (2). Last evaluated 2025-02-11.

Conditions:
Inborn genetic diseases. Identifiers: MedGen C0950123, MeSH D030342.

Allele frequency attached by ClinVar (database versions not stated): TOPMed below 0.00001; gnomAD 0.00001; gnomAD exomes 0.00001; ExAC 0.00002.
gnomAD v4.1: 10 of 1,613,412 alleles (0.00062%); highest among the groups gnomAD compares: Middle Eastern, 0.066%; no homozygotes.

Submissions (4):

Labcorp Genetics (formerly Invitae), Labcorp
Classification: Uncertain significance. Last evaluated: 2025-02-11. Review status: criteria provided, single submitter. Criteria: Invitae Variant Classification Sherloc (09022015). Collection method: clinical testing. Allele origin: germline.
Comment: This sequence change replaces asparagine, which is neutral and polar, with serine, which is neutral and polar, at codon 1396 of the SAMD9L protein (p.Asn1396Ser). This variant is present in population databases (rs780673328, gnomAD 0.002%). This variant has not been reported in the literature in individuals affected with SAMD9L-related conditions. ClinVar contains an entry for this variant (Variation ID: 2799456). Invitae Evidence Modeling of protein sequence and biophysical properties (such as structural, functional, and spatial information, amino acid conservation, physicochemical variation, residue mobility, and thermodynamic stability) indicates that this missense variant is not expected to disrupt SAMD9L protein function with a negative predictive value of 80%. In summary, the available evidence is currently insufficient to determine the role of this variant in disease. Therefore, it has been classified as a Variant of Uncertain Significance.

Ambry Genetics
Classification: Likely benign for Inborn genetic diseases. Last evaluated: 2024-12-08. Review status: criteria provided, single submitter. Criteria: Ambry Variant Classification Scheme 2023. Collection method: clinical testing. Allele origin: germline.

GeneDx
Classification: Uncertain significance. Last evaluated: 2024-04-02. Review status: criteria provided, single submitter. Criteria: GeneDx Variant Classification Process June 2021. Collection method: clinical testing. Allele origin: germline. Affected: yes.
Comment: Not observed at significant frequency in large population cohorts (gnomAD); In silico analysis supports that this missense variant does not alter protein structure/function; Has not been previously published as pathogenic or benign to our knowledge

CeGaT Center for Human Genetics Tuebingen
Classification: Likely benign. Last evaluated: 2024-03-01. Review status: criteria provided, single submitter. Criteria: CeGaT Center For Human Genetics Tuebingen Variant Classification Criteria Version 2. Collection method: clinical testing. Allele origin: germline. Affected: yes. Observed: 1 variant allele.
Comment: SAMD9L: BP4

NM_152703.5(SAMD9L):c.4187A>G (p.Asn1396Ser)

Gene: SAMD9L (sterile alpha motif domain containing 9 like; minus strand). Cytogenetic location: 7q21.2.
Variant type: single nucleotide variant.
Coding change: c.4187A>G on transcript NM_152703.5 (MANE Select); coding-DNA position 4187, A replaced by G.
Protein change: p.Asn1396Ser; replaces asparagine 1396 with serine.
Molecular consequence: missense variant.
Genome position (GRCh38, 1-based): chr7:93,131,785, T>C on the plus strand (A>G on the coding strand, the complement: SAMD9L is on the minus strand). VCF-style: chr7-93131785-T-C. GRCh37 (hg19) VCF-style: chr7-92761098-T-C.
Other names: c.4187A>G (NM_152703.2, NM_152703.3); c.4187A>G, p.Asn1396Ser (NM_001303496.3, NM_001303497.3, NM_001303498.3 and 5 more transcripts); short protein forms N1396S.
Identifiers: ClinVar variation 2799456 (VCV002799456.26), dbSNP rs780673328, ClinGen allele CA4343348.